The following is an entry in ClinVar:

ClinVar aggregate classification (germline): Uncertain significance. Review status: criteria provided, multiple submitters, no conflicts (2 of 4 stars). 2 submissions from 2 submitters: Uncertain significance (2). Last evaluated 2025-04-24.

Conditions:
TELO2-related intellectual disability-neurodevelopmental disorder. Also called: You-Hoover-Fong syndrome. Identifiers: Orphanet 488642, MedGen C4310778, MONDO:0014848, OMIM 616954.

Allele frequency attached by ClinVar (database versions not stated): gnomAD 0.00001; TOPMed 0.00002; ExAC 0.00003; gnomAD exomes 0.00003 and 0.00004; ESP Exome Variant Server 0.00008; 1000 Genomes Project 0.00020; 1000 Genomes Project 30x 0.00031.
gnomAD v4.1: 42 of 1,612,654 alleles (0.0026%); highest among the groups gnomAD compares: East Asian, 0.0089%; no homozygotes.

Submissions (2):

Labcorp Genetics (formerly Invitae), Labcorp
Classification: Uncertain significance. Last evaluated: 2025-04-24. Review status: criteria provided, single submitter. Criteria: Invitae Variant Classification Sherloc (09022015). Collection method: clinical testing. Allele origin: germline.
Comment: This sequence change replaces arginine, which is basic and polar, with glutamine, which is neutral and polar, at codon 668 of the TELO2 protein (p.Arg668Gln). This variant is present in population databases (rs150934316, gnomAD 0.02%). This missense change has been observed in individual(s) with TELO2-related conditions (PMID: 33057194). ClinVar contains an entry for this variant (Variation ID: 1029577). Invitae Evidence Modeling of protein sequence and biophysical properties (such as structural, functional, and spatial information, amino acid conservation, physicochemical variation, residue mobility, and thermodynamic stability) has been performed for this missense variant. However, the output from this modeling did not meet the statistical confidence thresholds required to predict the impact of this variant on TELO2 protein function. In summary, the available evidence is currently insufficient to determine the role of this variant in disease. Therefore, it has been classified as a Variant of Uncertain Significance.

Baylor Genetics
Classification: Uncertain significance for TELO2-related intellectual disability-neurodevelopmental disorder. Last evaluated: 2020-04-08. Review status: criteria provided, single submitter. Criteria: ACMG Guidelines, 2015. Collection method: clinical testing. Allele origin: paternal. Affected: yes.
Comment: This variant was determined to be of uncertain significance according to ACMG Guidelines, 2015 [PMID:25741868].

Literature cited by the submitters: PubMed 33057194 (cited by Labcorp Genetics (formerly Invitae), Labcorp).

NM_016111.4(TELO2):c.2003G>A (p.Arg668Gln)

Gene: TELO2 (telomere maintenance 2; plus strand). Cytogenetic location: 16p13.3.
Variant type: single nucleotide variant.
Coding change: c.2003G>A on transcript NM_016111.4 (MANE Select); coding-DNA position 2003, G replaced by A.
Protein change: p.Arg668Gln; replaces arginine 668 with glutamine.
Molecular consequence: missense variant.
Genome position (GRCh38, 1-based): chr16:1,505,570, G>A. VCF-style: chr16-1505570-G-A. GRCh37 (hg19) VCF-style: chr16-1555571-G-A.
Other names: c.2003G>A, p.Arg668Gln (NM_001351846.2); short protein forms R668Q.
Identifiers: ClinVar variation 1029577 (VCV001029577.5), dbSNP rs150934316, ClinGen allele CA7812424.